The following is an entry in ClinVar:

ClinVar aggregate classification (germline): Uncertain significance. Review status: criteria provided, multiple submitters, no conflicts (2 of 4 stars). 2 submissions from 2 submitters: Uncertain significance (2). Last evaluated 2024-09-23.

Conditions:
Hypercholesterolemia, autosomal dominant, 3 (FHCL3). Also called: Familial hypercholesterolemia 3; Familial Hypercholesterolemia, Autosomal Dominant, 3; PCSK9-Related Familial Hypercholesterolemia, Autosomal Dominant. Identifiers: MedGen C1863551, MONDO:0011369, OMIM 603776.

Submissions (2):

All of Us Research Program, National Institutes of Health
Classification: Uncertain significance for Hypercholesterolemia, autosomal dominant, 3. Last evaluated: 2024-09-23. Review status: criteria provided, single submitter. Criteria: ACMG Guidelines, 2015. Collection method: clinical testing. Allele origin: germline. Inheritance: Autosomal dominant inheritance. Observed: 1 variant allele, 1 heterozygote.
Comment: This study involves interpretation of variants in research participants for the purpose of population health screening. Participant phenotype was not available at the time of variant classification. Additional details can be found in publication PMID: 35346344, PMCID: PMC8962531

Institute of Human Genetics, University of Leipzig Medical Center
Classification: Uncertain significance for Hypercholesterolemia, autosomal dominant, 3. Last evaluated: 2019-01-01. Review status: criteria provided, single submitter. Criteria: ACMG Guidelines, 2015. Collection method: clinical testing. Allele origin: unknown. Affected: yes.

NM_174936.4(PCSK9):c.1570G>C (p.Ala524Pro)

Gene: PCSK9 (proprotein convertase subtilisin/kexin type 9; plus strand). Cytogenetic location: 1p32.3.
Variant type: single nucleotide variant.
Coding change: c.1570G>C on transcript NM_174936.4 (MANE Select); coding-DNA position 1570, G replaced by C.
Protein change: p.Ala524Pro; replaces alanine 524 with proline.
Molecular consequence: missense variant.
Genome position (GRCh38, 1-based): chr1:55,059,552, G>C. VCF-style: chr1-55059552-G-C. GRCh37 (hg19) VCF-style: chr1-55525225-G-C.
Other names: c.1693G>C, p.Ala565Pro (NM_001407240.1); c.1612G>C, p.Ala538Pro (NM_001407241.1); c.1573G>C, p.Ala525Pro (NM_001407242.1); c.1513G>C, p.Ala505Pro (NM_001407243.1); c.1396G>C, p.Ala466Pro (NM_001407244.1); c.1378G>C, p.Ala460Pro (NM_001407245.1); c.1195G>C, p.Ala399Pro (NM_001407246.1); short protein forms A524P, A565P, A399P, A460P, A466P, A505P, A525P, A538P.
Identifiers: ClinVar variation 982870 (VCV000982870.3), dbSNP rs746457760, ClinGen allele CA22765566.